The following is an entry in ClinVar:

ClinVar aggregate classification (germline): Uncertain significance. Review status: criteria provided, multiple submitters, no conflicts (2 of 4 stars). 2 submissions from 2 submitters: Uncertain significance (2). Last evaluated 2023-11-18.

Conditions:
Brachyolmia-amelogenesis imperfecta syndrome. Also called: PLATYSPONDYLY WITH AMELOGENESIS IMPERFECTA; Tooth agenesis, selective, 6; Dental anomalies and short stature. Identifiers: Orphanet 2899, MedGen C1832594, MONDO:0011018, OMIM 601216. Disease mechanism: loss of function.
Geleophysic dysplasia 3. Identifiers: MedGen C4540511, MONDO:0054722, OMIM 617809.

gnomAD v4.1: 1 of 1,605,878 alleles (0.000062%); highest among the groups gnomAD compares: East Asian, 0.0022%; no homozygotes.

Submissions (2):

Labcorp Genetics (formerly Invitae), Labcorp
Classification: Uncertain significance for Brachyolmia-amelogenesis imperfecta syndrome. Last evaluated: 2023-11-18. Review status: criteria provided, single submitter. Criteria: Invitae Variant Classification Sherloc (09022015). Collection method: clinical testing. Allele origin: germline.
Comment: This sequence change replaces arginine, which is basic and polar, with cysteine, which is neutral and slightly polar, at codon 648 of the LTBP3 protein (p.Arg648Cys). The frequency data for this variant in the population databases is considered unreliable, as metrics indicate poor data quality at this position in the gnomAD database. This missense change has been observed in individual(s) with autosomal dominant LTBP3-related conditions (PMID: 33082559). ClinVar contains an entry for this variant (Variation ID: 1683537). An algorithm developed to predict the effect of missense changes on protein structure and function (PolyPhen-2) suggests that this variant is likely to be disruptive. In summary, the available evidence is currently insufficient to determine the role of this variant in disease. Therefore, it has been classified as a Variant of Uncertain Significance.

Laboratorio de Genetica e Diagnostico Molecular, Hospital Israelita Albert Einstein
Classification: Uncertain significance for Geleophysic dysplasia 3. Last evaluated: 2022-02-14. Review status: criteria provided, single submitter. Criteria: ACMG Guidelines, 2015. Collection method: clinical testing. Allele origin: germline. Affected: yes.
Comment: ACMG classification criteria: PS4 supporting, PM2 moderate, PP3 supporting

Literature cited by the submitters: PubMed 33082559 (cited by Labcorp Genetics (formerly Invitae), Labcorp).

NM_001130144.3(LTBP3):c.1942C>T (p.Arg648Cys)

Genes: LTBP3 (latent transforming growth factor beta binding protein 3; minus strand), LOC130006032 (ATAC-STARR-seq lymphoblastoid silent region 3535; plus strand). Cytogenetic location: 11q13.1.
Variant type: single nucleotide variant.
Coding change: c.1942C>T on transcript NM_001130144.3 (MANE Select); coding-DNA position 1942, C replaced by T.
Protein change: p.Arg648Cys; replaces arginine 648 with cysteine.
Molecular consequence: missense variant.
Genome position (GRCh38, 1-based): chr11:65,547,726, G>A on the plus strand (C>T on the coding strand, the complement: LTBP3 is on the minus strand). VCF-style: chr11-65547726-G-A. GRCh37 (hg19) VCF-style: chr11-65315197-G-A.
Other names: c.1591C>T, p.Arg531Cys (NM_001164266.1); c.1942C>T, p.Arg648Cys (NM_021070.4); short protein forms R531C, R648C.
Identifiers: ClinVar variation 1683537 (VCV001683537.7), dbSNP rs763889449, ClinGen allele CA381271324.